The following is an entry in ClinVar:

NM_001035.3(RYR2):c.9902-2_9902-1del

Gene: RYR2 (ryanodine receptor 2; plus strand). Cytogenetic location: 1q43.
Variant type: Deletion.
Coding change: c.9902-2_9902-1del on transcript NM_001035.3 (MANE Select); the canonical splice acceptor site of the intron before coding-DNA position 9902, 2 bases deleted (AG; older notation c.9902-2_9902-1delAG).
Molecular consequence: splice acceptor variant.
Genome position (GRCh38, 1-based): chr1:237,708,856-237,708,857, AG deleted. VCF-style (leftmost placement, unchanged base first): chr1-237708855-CAG-C. GRCh37 (hg19) VCF-style: chr1-237872155-CAG-C.
Identifiers: ClinVar variation 4883972 (VCV004883972.2).
Genomic context (GRCh38, chr1:237,708,855, plus strand): 5'-AATCTATCATCATGTTAATGAATGGTTTTACAGAGCAGAATACTAATGTCTGTCTTTAAA[CAG>C]TGTTTTCCCAGCCTATAATAAATAAAGTGAAACCTCAGCTCTTGAAAACTCATTTCTTGC-3'

ClinVar aggregate classification (germline): Uncertain significance (1 of 4 stars; one submission).

Submission:

Dasa
Classification: Uncertain significance. Last evaluated: 2026-01-06. Review status: criteria provided, single submitter. Criteria: DASA Assertion Criteria. Collection method: clinical testing. Allele origin: germline.
Comment: NM_001035.3(RYR2):c.9902-2_9902-1del is a splice-region variant predicted to affect normal RNA splicing. This variant is rare in population databases. The currently available literature and clinical evidence are not sufficient to establish a definitive association between this variant and the reported condition. Therefore, this variant is classified as a variant of uncertain significance.